The following is an entry in ClinVar:

ClinVar aggregate classification (germline): Uncertain significance (1 of 4 stars; one submission).

Conditions:
Progressive myoclonic epilepsy type 5. Identifiers: Orphanet 402082, MedGen C5190799.

Allele frequency attached by ClinVar (database versions not stated): gnomAD exomes below 0.00001.
gnomAD v4.1: 1 of 1,614,146 alleles (0.000062%); highest among the groups gnomAD compares: Non-Finnish European, 0.000085%; no homozygotes.

Submission:

Labcorp Genetics (formerly Invitae), Labcorp
Classification: Uncertain significance for Progressive myoclonic epilepsy type 5. Last evaluated: 2024-06-03. Review status: criteria provided, single submitter. Criteria: Invitae Variant Classification Sherloc (09022015). Collection method: clinical testing. Allele origin: germline.
Comment: This sequence change replaces glutamic acid, which is acidic and polar, with lysine, which is basic and polar, at codon 131 of the PRICKLE2 protein (p.Glu131Lys). This variant is present in population databases (no rsID available, gnomAD 0.0009%). This variant has not been reported in the literature in individuals affected with PRICKLE2-related conditions. ClinVar contains an entry for this variant (Variation ID: 1025359). Advanced modeling of protein sequence and biophysical properties (such as structural, functional, and spatial information, amino acid conservation, physicochemical variation, residue mobility, and thermodynamic stability) performed at Invitae indicates that this missense variant is not expected to disrupt PRICKLE2 protein function with a negative predictive value of 80%. In summary, the available evidence is currently insufficient to determine the role of this variant in disease. Therefore, it has been classified as a Variant of Uncertain Significance.

NM_198859.4(PRICKLE2):c.391G>A (p.Glu131Lys)

Gene: PRICKLE2 (prickle planar cell polarity protein 2; minus strand). Cytogenetic location: 3p14.1.
Variant type: single nucleotide variant.
Coding change: c.391G>A on transcript NM_198859.4 (MANE Select); coding-DNA position 391, G replaced by A.
Protein change: p.Glu131Lys; replaces glutamic acid 131 with lysine.
Molecular consequence: missense variant.
Genome position (GRCh38, 1-based): chr3:64,159,945, C>T on the plus strand (G>A on the coding strand, the complement: PRICKLE2 is on the minus strand). VCF-style: chr3-64159945-C-T. GRCh37 (hg19) VCF-style: chr3-64145621-C-T.
Other names: c.391G>A, p.Glu131Lys (NM_001370528.1); short protein forms E131K.
Identifiers: ClinVar variation 1025359 (VCV001025359.5), dbSNP rs1334482107, ClinGen allele CA353435309.
Genomic context (GRCh38, chr3:64,159,945, plus strand): 5'-ATGGGTGAAAAGATGCCAGAACAATGCCTCTTCACTCCCCTGAATCCATGCTTACCTGTT[C>T]ACAAATAGCTCCTGTCATGGTGACTGGGAAAGGCCTGACATTCCCGCGGCCCAAGTTTTC-3'
Protein context (NP_942559.1, residues 121-141): FPVTMTGAIC[Glu131Lys]QCGGQINGGD